The following is an entry in ClinVar:

ClinVar aggregate classification (germline): Uncertain significance (1 of 4 stars; one submission).

Conditions:
Hereditary nonpolyposis colorectal neoplasms. Identifiers: MedGen C0009405, MeSH D003123.

Submission:

Labcorp Genetics (formerly Invitae), Labcorp
Classification: Uncertain significance for Hereditary nonpolyposis colorectal neoplasms. Last evaluated: 2017-08-02. Review status: criteria provided, single submitter. Criteria: Invitae Variant Classification Sherloc (09022015). Collection method: clinical testing. Allele origin: germline.
Comment: In summary, the available evidence is currently insufficient to determine the role of this variant in disease. Therefore, it has been classified as a Variant of Uncertain Significance. Algorithms developed to predict the effect of missense changes on protein structure and function output the following: SIFT: "Tolerated"; PolyPhen-2: "Benign"; Align-GVGD: "Class C0". The isoleucine amino acid residue is found in multiple mammalian species, suggesting that this missense change does not adversely affect protein function. These predictions have not been confirmed by published functional studies and their clinical significance is uncertain. This variant has not been reported in the literature in individuals with MSH6-related disease. This variant is not present in population databases (ExAC no frequency). This sequence change replaces valine with isoleucine at codon 294 of the MSH6 protein (p.Val294Ile). The valine residue is moderately conserved and there is a small physicochemical difference between valine and isoleucine.

NM_000179.3(MSH6):c.880G>A (p.Val294Ile)

Gene: MSH6 (mutS homolog 6; plus strand). Cytogenetic location: 2p16.3.
Variant type: single nucleotide variant.
Coding change: c.880G>A on transcript NM_000179.3 (MANE Select); coding-DNA position 880, G replaced by A.
Protein change: p.Val294Ile; replaces valine 294 with isoleucine.
Molecular consequence: missense variant. On other transcripts: 5 prime UTR variant (2).
Genome position (GRCh38, 1-based): chr2:47,798,863, G>A. VCF-style: chr2-47798863-G-A. GRCh37 (hg19) VCF-style: chr2-48026002-G-A.
Other names: c.490G>A, p.Val164Ile (NM_001281492.2); c.-27G>A (NM_001281493.2, NM_001281494.2); short protein forms V294I, V164I.
Identifiers: ClinVar variation 525758 (VCV000525758.7), dbSNP rs1553412313, ClinGen allele CA346740665.